The following is an entry in ClinVar:

ClinVar aggregate classification (germline): Pathogenic/Likely pathogenic. Review status: criteria provided, multiple submitters, no conflicts (2 of 4 stars). 3 submissions from 3 submitters: Pathogenic (1); Likely pathogenic (2). Last evaluated 2026-03-05.

Conditions:
Multiple sulfatase deficiency (MSD). Also called: Mucosulfatidosis; Multiple Sulfatase Deficiency Disease; Sulfatidosis, Juvenile, Austin Type. Identifiers: Orphanet 585, MedGen C0268263, MONDO:0010088, OMIM 272200.

Submissions (3):

Mendelics
Classification: Pathogenic for Multiple sulfatase deficiency. Last evaluated: 2026-03-05. Review status: criteria provided, single submitter. Criteria: ACMG Guidelines, 2015. Collection method: clinical testing. Allele origin: unknown.
Comment: Likely pathogenic/Pathogenic according to ACMG criteria.

Labcorp Genetics (formerly Invitae), Labcorp
Classification: Likely pathogenic for Multiple sulfatase deficiency. Last evaluated: 2024-08-08. Review status: criteria provided, single submitter. Criteria: Invitae Variant Classification Sherloc (09022015). Collection method: clinical testing. Allele origin: germline.
Comment: This variant results in the deletion of part of exon 8 (c.955-3_970del) of the SUMF1 gene. It is expected to disrupt RNA splicing. Variants that disrupt the donor or acceptor splice site typically lead to a loss of protein function (PMID: 16199547), and loss-of-function variants in SUMF1 are known to be pathogenic (PMID: 12757705, 12757706, 25885655). This variant is present in population databases (no rsID available, gnomAD 0.007%). This variant has not been reported in the literature in individuals affected with SUMF1-related conditions. ClinVar contains an entry for this variant (Variation ID: 2042100). In summary, the currently available evidence indicates that the variant is pathogenic, but additional data are needed to prove that conclusively. Therefore, this variant has been classified as Likely Pathogenic.

Women's Health and Genetics/Laboratory Corporation of America, LabCorp
Classification: Likely pathogenic for Multiple sulfatase deficiency. Last evaluated: 2023-01-25. Review status: criteria provided, single submitter. Criteria: LabCorp Variant Classification Summary - May 2015. Collection method: clinical testing. Allele origin: germline.
Comment: Variant summary: SUMF1 c.955-3_970del19 spans a canonical splice-site and is predicted to affect mRNA splicing resulting in a significantly altered protein due to either exon skipping, shortening, or inclusion of intronic material. Several computational tools predict a significant impact on normal splicing: Four predict the variant abolishes the 3' acceptor site. However, these predictions have yet to be confirmed by functional studies. The variant allele was found at a frequency of 4e-06 in 251454 control chromosomes (gnomAD). To our knowledge, no occurrence of c.955-3_970del19 in individuals affected with Multiple Sulfatase Deficiency and no experimental evidence demonstrating its impact on protein function have been reported. No clinical diagnostic laboratories have submitted clinical-significance assessments for this variant to ClinVar after 2014. Based on the evidence outlined above, the variant was classified as likely pathogenic.

Literature cited by the submitters: PubMed 16199547 (cited by Labcorp Genetics (formerly Invitae), Labcorp); PubMed 12757705 (cited by Labcorp Genetics (formerly Invitae), Labcorp); PubMed 12757706 (cited by Labcorp Genetics (formerly Invitae), Labcorp); PubMed 25885655 (cited by Labcorp Genetics (formerly Invitae), Labcorp).

NM_182760.4(SUMF1):c.955-3_970del

Gene: SUMF1 (sulfatase modifying factor 1; minus strand). Cytogenetic location: 3p26.1.
Variant type: Deletion.
Coding change: c.955-3_970del on transcript NM_182760.4 (MANE Select); 3 bases into the intron before coding-DNA position 955 through coding-DNA position 970, 19 bases deleted (TAGAAAGGTCCCCCTTCTG).
Molecular consequence: splice acceptor variant. On other transcripts: intron variant (1).
Genome position (GRCh38, 1-based): chr3:4,376,374-4,376,392, CAGAAGGGGGACCTTTCTA deleted on the plus strand (TAGAAAGGTCCCCCTTCTG on the coding strand, the reverse complement: SUMF1 is on the minus strand); deleting any 19 consecutive bases within chr3:4,376,374-4,376,396 gives the same sequence; the c. name uses the placement nearest the transcript's 3' end. VCF-style (leftmost placement, unchanged base first): chr3-4376373-CCAGAAGGGGGACCTTTCTA-C. GRCh37 (hg19) VCF-style: chr3-4418057-CCAGAAGGGGGACCTTTCTA-C.
Other names: c.955-3_970del19 (NM_182760.3); c.880-3_895del (NM_001164674.2); c.955-14138_955-14120del (NM_001164675.2).
Identifiers: ClinVar variation 2042100 (VCV002042100.8), dbSNP rs1342765447, ClinGen allele CA540792451.